The following is an entry in ClinVar:

ClinVar aggregate classification (germline): Conflicting classifications of pathogenicity. Review status: criteria provided, conflicting classifications (1 of 4 stars). 3 submissions from 3 submitters: Uncertain significance (1); Benign (1). 1 of the submissions does not count toward it. Last evaluated 2025-12-16.

Conditions:
ALG12-related disorder. Also called: ALG12-related condition.
ALG12-congenital disorder of glycosylation (CDG1G). Also called: CDG Ig; Congenital disorder of glycosylation, type Ig; ALG12-CDG. Identifiers: Orphanet 79324, MedGen C2931001, MONDO:0011783, OMIM 607143.

Allele frequency attached by ClinVar (database versions not stated): TOPMed 0.00005; gnomAD 0.00006 and 0.00009; gnomAD exomes 0.00010 and 0.00015; ExAC 0.00012; 1000 Genomes Project 30x 0.00047; 1000 Genomes Project 0.00060.
gnomAD v4.1: 161 of 1,614,136 alleles (0.01%); highest among the groups gnomAD compares: East Asian, 0.33%; 1 homozygote.

Submissions (3):

Labcorp Genetics (formerly Invitae), Labcorp
Classification: Benign for ALG12-congenital disorder of glycosylation. Last evaluated: 2025-12-16. Review status: criteria provided, single submitter. Criteria: Invitae Variant Classification Sherloc (09022015). Collection method: clinical testing. Allele origin: germline.

Illumina Laboratory Services, Illumina
Classification: Uncertain significance for ALG12-congenital disorder of glycosylation. Last evaluated: 2018-01-13. Review status: criteria provided, single submitter. Criteria: ICSL Variant Classification Criteria 13 December 2019. Collection method: clinical testing. Allele origin: germline.

PreventionGenetics, part of Exact Sciences
Classification: Likely benign for ALG12-related condition. Last evaluated: 2021-10-30. Review status: no assertion criteria provided. Collection method: clinical testing. Allele origin: germline. Not counted in ClinVar's aggregate classification.
Comment: This variant is classified as likely benign based on ACMG/AMP sequence variant interpretation guidelines (Richards et al. 2015 PMID: 25741868, with internal and published modifications).

NM_024105.4(ALG12):c.639C>T (p.Ala213=)

Gene: ALG12 (ALG12 alpha-1,6-mannosyltransferase; minus strand). Cytogenetic location: 22q13.33.
Variant type: single nucleotide variant.
Coding change: c.639C>T on transcript NM_024105.4 (MANE Select); coding-DNA position 639, C replaced by T.
Protein change: p.Ala213=; no amino-acid change (alanine 213 retained).
Molecular consequence: synonymous variant.
Genome position (GRCh38, 1-based): chr22:49,909,919, G>A on the plus strand (C>T on the coding strand, the complement: ALG12 is on the minus strand). VCF-style: chr22-49909919-G-A. GRCh37 (hg19) VCF-style: chr22-50303567-G-A.
Identifiers: ClinVar variation 342050 (VCV000342050.16), dbSNP rs140835842, ClinGen allele CA10300538.